The following is an entry in ClinVar:

NM_003467.3(CXCR4):c.784G>A (p.Asp262Asn)

Gene: CXCR4 (C-X-C motif chemokine receptor 4; minus strand). Cytogenetic location: 2q22.1.
Variant type: single nucleotide variant.
Coding change: c.784G>A on transcript NM_003467.3 (MANE Select); coding-DNA position 784, G replaced by A.
Protein change: p.Asp262Asn; replaces aspartic acid 262 with asparagine.
Molecular consequence: missense variant.
Genome position (GRCh38, 1-based): chr2:136,115,144, C>T on the plus strand (G>A on the coding strand, the complement: CXCR4 is on the minus strand). VCF-style: chr2-136115144-C-T. GRCh37 (hg19) VCF-style: chr2-136872714-C-T.
Other names: c.796G>A, p.Asp266Asn (NM_001008540.2); c.997G>A, p.Asp333Asn (NM_001348056.2); c.883G>A, p.Asp295Asn (NM_001348059.2); c.739G>A, p.Asp247Asn (NM_001348060.2); short protein forms D295N, D333N, D266N, D247N, D262N.
Identifiers: ClinVar variation 3697220 (VCV003697220.2).

ClinVar aggregate classification (germline): Uncertain significance (1 of 4 stars; one submission).

Conditions:
Warts, hypogammaglobulinemia, infections, and myelokathexis. Also called: WHIM syndrome. Identifiers: MedGen C0472817, MONDO:0023880.

gnomAD v4.1: 3 of 1,613,986 alleles (0.00019%); highest among the groups gnomAD compares: East Asian, 0.0022%; no homozygotes.

Submission:

Labcorp Genetics (formerly Invitae), Labcorp
Classification: Uncertain significance for Warts, hypogammaglobulinemia, infections, and myelokathexis. Last evaluated: 2025-11-25. Review status: criteria provided, single submitter. Criteria: Invitae Variant Classification Sherloc (09022015). Collection method: clinical testing. Allele origin: germline.
Comment: This sequence change replaces aspartic acid, which is acidic and polar, with asparagine, which is neutral and polar, at codon 262 of the CXCR4 protein (p.Asp262Asn). This variant is present in population databases (no rsID available, gnomAD no frequency). This variant has not been reported in the literature in individuals affected with CXCR4-related conditions. ClinVar contains an entry for this variant (Variation ID: 3697220). An algorithm developed to predict the effect of missense changes on protein structure and function (PolyPhen-2) suggests that this variant is likely to be disruptive. Experimental studies have shown that this missense change affects CXCR4 function (PMID: 11408611). In summary, the available evidence is currently insufficient to determine the role of this variant in disease. Therefore, it has been classified as a Variant of Uncertain Significance.

Literature cited by the submitters: PubMed 11408611.